The following is an entry in ClinVar:

NM_001923.5(DDB1):c.1804C>G (p.Leu602Val)

Gene: DDB1 (damage specific DNA binding protein 1; minus strand). Cytogenetic location: 11q12.2.
Variant type: single nucleotide variant.
Coding change: c.1804C>G on transcript NM_001923.5 (MANE Select); coding-DNA position 1804, C replaced by G.
Protein change: p.Leu602Val; replaces leucine 602 with valine.
Molecular consequence: missense variant.
Genome position (GRCh38, 1-based): chr11:61,313,919, G>C on the plus strand (C>G on the coding strand, the complement: DDB1 is on the minus strand). VCF-style: chr11-61313919-G-C. GRCh37 (hg19) VCF-style: chr11-61081391-G-C.
Other names: short protein forms L602V.
Identifiers: ClinVar variation 3907947 (VCV003907947.1).

ClinVar aggregate classification (germline): Uncertain significance (1 of 4 stars; one submission).

gnomAD v4.1: 1 of 1,614,174 alleles (0.000062%); highest among the groups gnomAD compares: Non-Finnish European, 0.000085%; no homozygotes.

Submission:

GeneDx
Classification: Uncertain significance. Last evaluated: 2024-12-26. Review status: criteria provided, single submitter. Criteria: GeneDx Variant Classification Process June 2021. Collection method: clinical testing. Allele origin: germline. Affected: yes.
Comment: Not observed at significant frequency in large population cohorts (gnomAD); In silico analysis supports that this missense variant has a deleterious effect on protein structure/function; Has not been previously published as pathogenic or benign to our knowledge